The following is an entry in ClinVar:

NM_206933.4(USH2A):c.14993C>A (p.Thr4998Lys)

Gene: USH2A (usherin; minus strand). Cytogenetic location: 1q41.
Variant type: single nucleotide variant.
Coding change: c.14993C>A on transcript NM_206933.4 (MANE Select); coding-DNA position 14993, C replaced by A.
Protein change: p.Thr4998Lys; replaces threonine 4998 with lysine.
Molecular consequence: missense variant.
Genome position (GRCh38, 1-based): chr1:215,639,214, G>T on the plus strand (C>A on the coding strand, the complement: USH2A is on the minus strand). VCF-style: chr1-215639214-G-T. GRCh37 (hg19) VCF-style: chr1-215812556-G-T.
Other names: USH2A; short protein forms T4998K.
Identifiers: ClinVar variation 3393385 (VCV003393385.1).

ClinVar aggregate classification (germline): Uncertain significance (1 of 4 stars; one submission).

Conditions:
Usher syndrome type 2A. Also called: RETINAL DISEASE IN USHER SYNDROME TYPE IIA, MODIFIER OF; USHER SYNDROME, TYPE IIA. Identifiers: Orphanet 231178, Orphanet 886, MedGen C1848634, MONDO:0010169, OMIM 276901.

gnomAD v4.1: 1 of 1,614,110 alleles (0.000062%); highest among the groups gnomAD compares: Admixed American, 0.0017%; no homozygotes.

Submission:

Laboratory of Prof. Karen Avraham, Tel Aviv University
Classification: Uncertain significance for Usher syndrome type 2A. Last evaluated: 2014-12-24. Review status: criteria provided, single submitter. Criteria: ACMG Guidelines, 2015. Collection method: research. Allele origin: germline. Affected: yes. Observed: 1 variant allele.